The following is an entry in ClinVar:

NM_177438.3(DICER1):c.2731A>G (p.Ser911Gly)

Gene: DICER1 (dicer 1, ribonuclease III; minus strand). Cytogenetic location: 14q32.13.
Variant type: single nucleotide variant.
Coding change: c.2731A>G on transcript NM_177438.3 (MANE Select); coding-DNA position 2731, A replaced by G.
Protein change: p.Ser911Gly; replaces serine 911 with glycine.
Molecular consequence: missense variant.
Genome position (GRCh38, 1-based): chr14:95,107,681, T>C on the plus strand (A>G on the coding strand, the complement: DICER1 is on the minus strand). VCF-style: chr14-95107681-T-C. GRCh37 (hg19) VCF-style: chr14-95574018-T-C.
Other names: c.2731A>G, p.Ser911Gly (NM_001195573.1, NM_001271282.3, NM_001291628.2 and 1 more transcripts); short protein forms S911G.
Identifiers: ClinVar variation 651786 (VCV000651786.17), dbSNP rs1595379089, ClinGen allele CA390879564.

ClinVar aggregate classification (germline): Conflicting classifications of pathogenicity. Review status: criteria provided, conflicting classifications (1 of 4 stars). 2 submissions from 2 submitters: Uncertain significance (1); Likely benign (1). Last evaluated 2026-02-03.

Conditions:
DICER1-related tumor predisposition. Also called: DICER1-related pleuropulmonary blastoma cancer predisposition syndrome; DICER1 syndrome. Identifiers: Orphanet 284343, MedGen C3839822, MONDO:0100216.
Hereditary cancer-predisposing syndrome. Also called: Hereditary Cancer Syndrome; Tumor predisposition; Neoplastic Syndromes, Hereditary; Hereditary neoplastic syndrome. Identifiers: Orphanet 140162, MedGen C0027672, MeSH D009386, MONDO:0015356.

Allele frequency attached by ClinVar (database versions not stated): gnomAD exomes 0.00001; TOPMed 0.00001.
gnomAD v4.1: 3 of 1,613,494 alleles (0.00019%); highest among the groups gnomAD compares: South Asian, 0.0011%; no homozygotes.

Submissions (2):

Labcorp Genetics (formerly Invitae), Labcorp
Classification: Uncertain significance for DICER1-related tumor predisposition. Last evaluated: 2026-02-03. Review status: criteria provided, single submitter. Criteria: Invitae Variant Classification Sherloc (09022015). Collection method: clinical testing. Allele origin: germline.
Comment: This sequence change replaces serine, which is neutral and polar, with glycine, which is neutral and non-polar, at codon 911 of the DICER1 protein (p.Ser911Gly). This variant is not present in population databases (gnomAD no frequency). This variant has not been reported in the literature in individuals affected with DICER1-related conditions. ClinVar contains an entry for this variant (Variation ID: 651786). Invitae Evidence Modeling of protein sequence and biophysical properties (such as structural, functional, and spatial information, amino acid conservation, physicochemical variation, residue mobility, and thermodynamic stability) indicates that this missense variant is not expected to disrupt DICER1 protein function with a negative predictive value of 95%. In summary, the available evidence is currently insufficient to determine the role of this variant in disease. Therefore, it has been classified as a Variant of Uncertain Significance.

Ambry Genetics
Classification: Likely benign for Hereditary cancer-predisposing syndrome. Last evaluated: 2024-10-03. Review status: criteria provided, single submitter. Criteria: Ambry Variant Classification Scheme 2023. Collection method: clinical testing. Allele origin: germline.